The following is an entry in ClinVar:

NM_004612.4(TGFBR1):c.640G>C (p.Gly214Arg)

Gene: TGFBR1 (transforming growth factor beta receptor 1; plus strand). Cytogenetic location: 9q22.33.
Variant type: single nucleotide variant.
Coding change: c.640G>C on transcript NM_004612.4 (MANE Select); coding-DNA position 640, G replaced by C.
Protein change: p.Gly214Arg; replaces glycine 214 with arginine.
Molecular consequence: missense variant.
Genome position (GRCh38, 1-based): chr9:99,137,924, G>C. VCF-style: chr9-99137924-G-C. GRCh37 (hg19) VCF-style: chr9-101900206-G-C.
Other names: c.409G>C, p.Gly137Arg (NM_001130916.3); c.652G>C, p.Gly218Arg (NM_001306210.2); short protein forms G137R, G214R, G218R.
Identifiers: ClinVar variation 1320270 (VCV001320270.1), dbSNP rs727503470, ClinGen allele CA374229531.

ClinVar aggregate classification (germline): Likely pathogenic (1 of 4 stars; one submission).

Conditions:
Loeys-Dietz syndrome 1 (LDS1). Also called: FURLONG SYNDROME; TGFBR1-Related Loeys-Dietz Syndrome; AORTIC ANEURYSM, FAMILIAL THORACIC 5. Identifiers: Orphanet 60030, MedGen C4551955, MONDO:0012212, OMIM 609192.

Submission:

3billion
Classification: Likely pathogenic for Loeys-Dietz syndrome 1. Last evaluated: 2021-10-02. Review status: criteria provided, single submitter. Criteria: ACMG Guidelines, 2015. Collection method: clinical testing. Allele origin: germline. Affected: yes. Observed: 1 heterozygote.
Comment: It is not observed in the gnomAD v2.1.1 dataset (PM2). A different missense change at the same codon (p.Gly218Ser) has been reported as pathogenic/likely pathogenic with strong evidence (ClinVar ID: VCV000488621.1, PM5). The variant was observed as assumed (i.e. paternity and maternity not confirmed) de novoo (3billion dataset, PM6). In silico tool predictions suggest damaging effect of the variant on gene or gene product (REVEL: 0.952, 3Cnet: 0.805, PP3). Therefore, this variant is classified as likely pathogenic according to the recommendation of ACMG/AMP guideline

Literature cited by the submitters: PubMed 34270679.